The following is an entry in ClinVar:

NM_004260.4(RECQL4):c.845C>A (p.Ala282Asp)

Gene: RECQL4 (RecQ like helicase 4; minus strand). Cytogenetic location: 8q24.3.
Variant type: single nucleotide variant.
Coding change: c.845C>A on transcript NM_004260.4 (MANE Select); coding-DNA position 845, C replaced by A.
Protein change: p.Ala282Asp; replaces alanine 282 with aspartic acid.
Molecular consequence: missense variant.
Genome position (GRCh38, 1-based): chr8:144,516,274, G>T on the plus strand (C>A on the coding strand, the complement: RECQL4 is on the minus strand). VCF-style: chr8-144516274-G-T. GRCh37 (hg19) VCF-style: chr8-145741658-G-T.
Other names: c.-289C>A (NM_001413027.1, NM_001413030.1, NM_001413031.1 and 2 more transcripts); c.-227C>A (NM_001413028.1, NM_001413035.1, NM_001413037.1 and 7 more transcripts); c.494C>A, p.Ala165Asp (NM_001413029.1); c.845C>A, p.Ala282Asp (NM_001413033.1, NM_001413036.1, NM_001413039.1 and 4 more transcripts); c.-131C>A (NM_001413034.1); c.-496C>A (NM_001413043.1); c.716C>A, p.Ala239Asp (NM_001413025.1); short protein forms A165D, A239D, A282D.
Identifiers: ClinVar variation 1719146 (VCV001719146.5), dbSNP rs770138627, ClinGen allele CA372688972.
Genomic context (GRCh38, chr8:144,516,274, plus strand): 5'-GGTTCCCCTGGAGGGTCTTCCTCAACTGCTACAGCCCCAGCCCCCTCCGATGGGGGTCCA[G>T]CTTGGCTGCTCTCCTGCTGGACCTGTGCGGGGCTCTCCCAGGGCTCCTCGTTCCATCTCC-3'
Protein context (NP_004251.4, residues 272-292): PAQVQQESSQ[Ala282Asp]GPPSEGAGAV

ClinVar aggregate classification (germline): Uncertain significance (1 of 4 stars; one submission).

Conditions:
Baller-Gerold syndrome (BGS). Also called: CRANIOSYNOSTOSIS WITH RADIAL DEFECTS. Identifiers: Orphanet 1225, MedGen C0265308, MONDO:0009039, OMIM 218600.

gnomAD v4.1: 1 of 1,611,814 alleles (0.000062%); highest among the groups gnomAD compares: Non-Finnish European, 0.000085%; no homozygotes.

Submission:

Labcorp Genetics (formerly Invitae), Labcorp
Classification: Uncertain significance for Baller-Gerold syndrome. Last evaluated: 2022-09-10. Review status: criteria provided, single submitter. Criteria: Invitae Variant Classification Sherloc (09022015). Collection method: clinical testing. Allele origin: germline.
Comment: This sequence change replaces alanine, which is neutral and non-polar, with aspartic acid, which is acidic and polar, at codon 282 of the RECQL4 protein (p.Ala282Asp). This variant is not present in population databases (gnomAD no frequency). This variant has not been reported in the literature in individuals affected with RECQL4-related conditions. Experimental studies and prediction algorithms are not available or were not evaluated, and the functional significance of this variant is currently unknown. In summary, the available evidence is currently insufficient to determine the role of this variant in disease. Therefore, it has been classified as a Variant of Uncertain Significance.